The following is an entry in ClinVar:

NM_004672.5(MAP3K6):c.3711+7C>T

Gene: MAP3K6 (mitogen-activated protein kinase kinase kinase 6; minus strand). Cytogenetic location: 1p36.11.
Variant type: single nucleotide variant.
Coding change: c.3711+7C>T on transcript NM_004672.5 (MANE Select); 7 bases into the intron after coding-DNA position 3711, C replaced by T.
Molecular consequence: intron variant.
Genome position (GRCh38, 1-based): chr1:27,356,019, G>A on the plus strand (C>T on the coding strand, the complement: MAP3K6 is on the minus strand). VCF-style: chr1-27356019-G-A. GRCh37 (hg19) VCF-style: chr1-27682510-G-A.
Other names: c.3687+7C>T (NM_001297609.2).
Identifiers: ClinVar variation 3353490 (VCV003353490.1).

ClinVar aggregate classification (germline): Likely benign (0 of 4 stars; one submission).

Conditions:
MAP3K6-related disorder. Also called: MAP3K6-related condition.

gnomAD v4.1: 21 of 1,613,636 alleles (0.0013%); highest among the groups gnomAD compares: African/African-American, 0.013%; no homozygotes.

Submission:

PreventionGenetics, part of Exact Sciences
Classification: Likely benign for MAP3K6-related condition. Last evaluated: 2019-11-12. Review status: no assertion criteria provided. Collection method: clinical testing. Allele origin: germline.
Comment: This variant is classified as likely benign based on ACMG/AMP sequence variant interpretation guidelines (Richards et al. 2015 PMID: 25741868, with internal and published modifications).